The following is an entry in ClinVar:

ClinVar aggregate classification (germline): Uncertain significance (1 of 4 stars; one submission).

Conditions:
Dilated Cardiomyopathy, Recessive.

Allele frequency attached by ClinVar (database versions not stated): gnomAD exomes below 0.00001 and 0.00005; gnomAD 0.00001; TOPMed 0.00001.
gnomAD v4.1: 68 of 1,610,770 alleles (0.0042%); highest among the groups gnomAD compares: Non-Finnish European, 0.0052%; no homozygotes.

Submission:

Labcorp Genetics (formerly Invitae), Labcorp
Classification: Uncertain significance. Last evaluated: 2019-11-13. Review status: criteria provided, single submitter. Criteria: Invitae Variant Classification Sherloc (09022015). Collection method: clinical testing. Allele origin: germline.
Comment: This sequence change replaces lysine with glutamic acid at codon 874 of the PLEKHM2 protein (p.Lys874Glu). The lysine residue is highly conserved and there is a small physicochemical difference between lysine and glutamic acid. This variant is not present in population databases (ExAC no frequency). This variant has not been reported in the literature in individuals with PLEKHM2-related conditions. Algorithms developed to predict the effect of missense changes on protein structure and function (SIFT, PolyPhen-2, Align-GVGD) all suggest that this variant is likely to be tolerated, but these predictions have not been confirmed by published functional studies and their clinical significance is uncertain. In summary, the available evidence is currently insufficient to determine the role of this variant in disease. Therefore, it has been classified as a Variant of Uncertain Significance.

NM_015164.4(PLEKHM2):c.2620A>G (p.Lys874Glu)

Gene: PLEKHM2 (pleckstrin homology and RUN domain containing M2; plus strand). Cytogenetic location: 1p36.21.
Variant type: single nucleotide variant.
Coding change: c.2620A>G on transcript NM_015164.4 (MANE Select); coding-DNA position 2620, A replaced by G.
Protein change: p.Lys874Glu; replaces lysine 874 with glutamic acid.
Molecular consequence: missense variant.
Genome position (GRCh38, 1-based): chr1:15,732,043, A>G. VCF-style: chr1-15732043-A-G. GRCh37 (hg19) VCF-style: chr1-16058538-A-G.
Other names: short protein forms K874E.
Identifiers: ClinVar variation 971882 (VCV000971882.8), dbSNP rs970061065, ClinGen allele CA18268419.